The following is an entry in ClinVar:

NM_000052.7(ATP7A):c.2710G>A (p.Ala904Thr)

Gene: ATP7A (ATPase copper transporting alpha; plus strand). Cytogenetic location: Xq21.1.
Variant type: single nucleotide variant.
Coding change: c.2710G>A on transcript NM_000052.7 (MANE Select); coding-DNA position 2710, G replaced by A.
Protein change: p.Ala904Thr; replaces alanine 904 with threonine.
Molecular consequence: missense variant.
Genome position (GRCh38, 1-based): chrX:78,020,327, G>A. VCF-style: chrX-78020327-G-A. GRCh37 (hg19) VCF-style: chrX-77275824-G-A.
Other names: c.2710G>A (NM_000052.4); c.2476G>A, p.Ala826Thr (NM_001282224.2); short protein forms A826T, A904T.
Identifiers: ClinVar variation 653767 (VCV000653767.10), dbSNP rs1427317043, ClinGen allele CA413602517.

ClinVar aggregate classification (germline): Conflicting classifications of pathogenicity. Review status: criteria provided, conflicting classifications (1 of 4 stars). 3 submissions from 3 submitters: Uncertain significance (1); Likely benign (1). 1 of the submissions does not count toward it. Last evaluated 2024-01-17.

Conditions:
Cutis laxa, X-linked (OHS). Also called: EDS IX; Occipital horn syndrome. Identifiers: Orphanet 198, MedGen C0268353, MONDO:0010572, OMIM 304150.
X-linked distal spinal muscular atrophy type 3. Also called: ATP7A-Related Distal Motor Neuropathy; NEURONOPATHY, DISTAL HEREDITARY MOTOR, X-LINKED; NEUROPATHY, DISTAL HEREDITARY MOTOR, X-LINKED; SPINAL MUSCULAR ATROPHY, DISTAL, X-LINKED RECESSIVE. Identifiers: Orphanet 139557, MedGen C1845359, MONDO:0010338, OMIM 300489.
Menkes kinky-hair syndrome (MNK). Also called: Classic Menkes Disease; Menkes Disease; Copper transport disease. Identifiers: Orphanet 565, MedGen C0022716, MONDO:0010651, OMIM 309400.

Allele frequency attached by ClinVar (database versions not stated): gnomAD 0.00001; TOPMed 0.00001; gnomAD exomes 0.00002.
gnomAD v4.1: 14 of 1,209,741 alleles (0.0012%); highest among the groups gnomAD compares: Admixed American, 0.0022%; no homozygotes.

Submissions (3):

Labcorp Genetics (formerly Invitae), Labcorp
Classification: Likely benign for X-linked distal spinal muscular atrophy type 3; Cutis laxa, X-linked; Menkes kinky-hair syndrome. Last evaluated: 2024-01-17. Review status: criteria provided, single submitter. Criteria: Invitae Variant Classification Sherloc (09022015). Collection method: clinical testing. Allele origin: germline.

GeneDx
Classification: Uncertain significance. Last evaluated: 2023-07-11. Review status: criteria provided, single submitter. Criteria: GeneDx Variant Classification Process June 2021. Collection method: clinical testing. Allele origin: germline. Affected: yes.
Comment: Has not been previously published as pathogenic or benign to our knowledge; In silico analysis supports that this missense variant has a deleterious effect on protein structure/function

Natera, Inc.
Classification: Uncertain significance for Menkes kinky hair syndrome. Last evaluated: 2021-05-16. Review status: no assertion criteria provided. Collection method: clinical testing. Allele origin: germline. Not counted in ClinVar's aggregate classification.